The following is an entry in ClinVar:

ClinVar aggregate classification (germline): Uncertain significance (1 of 4 stars; one submission).

Submission:

GeneDx
Classification: Uncertain significance. Last evaluated: 2023-10-04. Review status: criteria provided, single submitter. Criteria: GeneDx Variant Classification Process June 2021. Collection method: clinical testing. Allele origin: germline. Affected: yes.
Comment: Not observed at significant frequency in large population cohorts (gnomAD); In silico analysis supports that this missense variant has a deleterious effect on protein structure/function; Has not been previously published as pathogenic or benign to our knowledge

NM_182641.4(BPTF):c.6686C>G (p.Ser2229Cys)

Gene: BPTF (bromodomain PHD finger transcription factor; plus strand). Cytogenetic location: 17q24.2.
Variant type: single nucleotide variant.
Coding change: c.6686C>G on transcript NM_182641.4 (MANE Select); coding-DNA position 6686, C replaced by G.
Protein change: p.Ser2229Cys; replaces serine 2229 with cysteine.
Molecular consequence: missense variant.
Genome position (GRCh38, 1-based): chr17:67,944,358, C>G. VCF-style: chr17-67944358-C-G. GRCh37 (hg19) VCF-style: chr17-65940474-C-G.
Other names: c.7064C>G, p.Ser2355Cys (NM_004459.7); short protein forms S2229C, S2355C.
Identifiers: ClinVar variation 3252702 (VCV003252702.1), dbSNP rs1555673441.